The following is an entry in ClinVar:

ClinVar aggregate classification (germline): Likely benign. Review status: criteria provided, multiple submitters, no conflicts (2 of 4 stars). 3 submissions from 3 submitters: Likely benign (3). Last evaluated 2025-06-11.

Conditions:
HARS1-related disorder. Also called: HARS1-related condition.
Usher syndrome type 3B. Also called: USHER SYNDROME, TYPE IIIB. Identifiers: MedGen C3281066, MONDO:0013788, OMIM 614504.

Allele frequency attached by ClinVar (database versions not stated): gnomAD exomes below 0.00001; TOPMed below 0.00001; ExAC 0.00001.

Submissions (3):

PreventionGenetics, part of Exact Sciences
Classification: Likely benign for HARS1-related condition. Last evaluated: 2025-06-11. Review status: criteria provided, single submitter. Criteria: ACMG Guidelines, 2015. Collection method: clinical testing. Allele origin: germline.
Comment: This variant is classified as likely benign based on ACMG/AMP sequence variant interpretation guidelines (Richards et al. 2015 PMID: 25741868, with internal and published modifications).

Labcorp Genetics (formerly Invitae), Labcorp
Classification: Likely benign for Usher syndrome type 3B. Last evaluated: 2023-12-27. Review status: criteria provided, single submitter. Criteria: Invitae Variant Classification Sherloc (09022015). Collection method: clinical testing. Allele origin: germline.

Ambry Genetics
Classification: Likely benign. Last evaluated: 2019-07-11. Review status: criteria provided, single submitter. Criteria: Ambry Variant Classification Scheme 2023. Collection method: clinical testing. Allele origin: germline.

NM_002109.6(HARS1):c.390C>T (p.Asp130=)

Gene: HARS1 (histidyl-tRNA synthetase 1; minus strand). Cytogenetic location: 5q31.3.
Variant type: single nucleotide variant.
Coding change: c.390C>T on transcript NM_002109.6 (MANE Select); coding-DNA position 390, C replaced by T.
Protein change: p.Asp130=; no amino-acid change (aspartic acid 130 retained).
Molecular consequence: synonymous variant. On other transcripts: intron variant (2).
Genome position (GRCh38, 1-based): chr5:140,679,794, G>A on the plus strand (C>T on the coding strand, the complement: HARS1 is on the minus strand). VCF-style: chr5-140679794-G-A. GRCh37 (hg19) VCF-style: chr5-140059379-G-A.
Other names: c.270C>T, p.Asp90= (NM_001258040.3, NM_001258042.3); c.390C>T, p.Asp130= (NM_001258041.3); c.303C>T, p.Asp101= (NM_001289094.2); c.181-1779C>T (NM_001289093.2); c.301-1779C>T (NM_001289092.2); c.390C>T (NM_002109.5).
Identifiers: ClinVar variation 351239 (VCV000351239.13), dbSNP rs754863405, ClinGen allele CA3444126.
Genomic context (GRCh38, chr5:140,679,794, plus strand): 5'-CCAAGTGAGTGCCAATCCATCCAAAGTCTCAAGAGCCCAAGTTTAGAAAGATACAGTGAG[G>A]TCATAGCGAAGGGACAGGAGCTCCCCGCCCTGGTCCTTCAGGTCATAGATAAGCTTGGAG-3'
Protein context (NP_002100.2, residues 120-140): QGGELLSLRY[Asp130=]LTVPFARYLA